The following is an entry in ClinVar:

NM_007294.4(BRCA1):c.1919A>C (p.Gln640Pro)

Gene: BRCA1 (BRCA1 DNA repair associated; minus strand). Cytogenetic location: 17q21.31.
Variant type: single nucleotide variant.
Coding change: c.1919A>C on transcript NM_007294.4 (MANE Select); coding-DNA position 1919, A replaced by C.
Protein change: p.Gln640Pro; replaces glutamine 640 with proline.
Molecular consequence: missense variant. On other transcripts: intron variant (137).
Genome position (GRCh38, 1-based): chr17:43,093,612, T>G on the plus strand (A>C on the coding strand, the complement: BRCA1 is on the minus strand). VCF-style: chr17-43093612-T-G. GRCh37 (hg19) VCF-style: chr17-41245629-T-G.
Other names: c.1838A>C, p.Gln613Pro (NM_001407661.1, NM_001407662.1, NM_001407659.1 and 1 more transcripts); c.1841A>C, p.Gln614Pro (NM_001407663.1, NM_001407653.1, NM_001407654.1 and 4 more transcripts); c.1796A>C, p.Gln599Pro (NM_001407664.1, NM_001407665.1, NM_001407666.1 and 19 more transcripts); c.1793A>C, p.Gln598Pro (NM_001407670.1, NM_001407671.1, NM_001407672.1 and 11 more transcripts); c.1919A>C, p.Gln640Pro (NM_001407684.1, NM_001407854.1, NM_001407858.1 and 30 more transcripts); c.1778A>C, p.Gln593Pro (NM_001407692.1, NM_001407694.1, NM_001407695.1 and 29 more transcripts); c.1775A>C, p.Gln592Pro (NM_001407740.1, NM_001407741.1, NM_001407742.1 and 20 more transcripts); c.1706A>C, p.Gln569Pro (NM_001407853.1, NM_001407894.1, NM_001407895.1 and 9 more transcripts); and 40 more; short protein forms Q640P, Q593P, Q344P, Q513P, Q552P, Q572P, Q592P, Q528P.
Identifiers: ClinVar variation 187742 (VCV000187742.8), dbSNP rs786203965, ClinGen allele CA001261.

ClinVar aggregate classification (germline): Conflicting classifications of pathogenicity. Review status: criteria provided, conflicting classifications (1 of 4 stars). 2 submissions from 2 submitters: Uncertain significance (1); Likely benign (1). Last evaluated 2023-03-23.

Conditions:
Hereditary cancer-predisposing syndrome. Also called: Neoplastic Syndromes, Hereditary; Tumor predisposition; Hereditary Cancer Syndrome; Hereditary neoplastic syndrome. Identifiers: Orphanet 140162, MedGen C0027672, MeSH D009386, MONDO:0015356.

Submissions (2):

University of Washington Department of Laboratory Medicine, University of Washington
Classification: Likely benign for Hereditary cancer-predisposing syndrome. Last evaluated: 2023-03-23. Review status: criteria provided, single submitter. Criteria: Dines et al. (Genet Med. 2020). Collection method: curation. Allele origin: germline.
Comment: Missense variant in a coldspot region where missense variants are very unlikely to be pathogenic (PMID:31911673).

BRCA1 coldspot (exon 11 using historical exon numbering). Reclassification based on statistical prior probability

Ambry Genetics
Classification: Uncertain significance for Hereditary cancer-predisposing syndrome. Last evaluated: 2015-01-05. Review status: criteria provided, single submitter. Criteria: Ambry Variant Classification Scheme 2023. Collection method: clinical testing. Allele origin: germline.
Comment: The p.Q640P variant (also known as c.1919A>C and 2038A>C), located in coding exon 9 of the BRCA1 gene, results from an A to C substitution at nucleotide position 1919. The glutamine at codon 640 is replaced by proline, an amino acid with similar properties. This variant was not reported in population based cohorts in the following databases: Database of Single Nucleotide Polymorphisms (dbSNP), NHLBI Exome Sequencing Project (ESP), and 1000 Genomes Project. In the ESP, this variant was not observed in 6503 samples (13006 alleles) with coverage at this position. To date, this alteration has been detected with an allele frequency of approximately 0.001% (greater than 105,000 alleles tested) in our clinical cohort. In addition, this alteration is predicted to be benign by PolyPhen but deleterious by SIFT in silico analyses, respectively. Since supporting evidence is limited at this time, the clinical significance of p.Q640P remains unclear.